The following is an entry in ClinVar:

NM_021098.3(CACNA1H):c.1175C>T (p.Ser392Leu)

Gene: CACNA1H (calcium voltage-gated channel subunit alpha1 H; plus strand). Cytogenetic location: 16p13.3.
Variant type: single nucleotide variant.
Coding change: c.1175C>T on transcript NM_021098.3 (MANE Select); coding-DNA position 1175, C replaced by T.
Protein change: p.Ser392Leu; replaces serine 392 with leucine.
Molecular consequence: missense variant.
Genome position (GRCh38, 1-based): chr16:1,200,771, C>T. VCF-style: chr16-1200771-C-T. GRCh37 (hg19) VCF-style: chr16-1250771-C-T.
Other names: c.1175C>T, p.Ser392Leu (NM_001005407.2); short protein forms S392L.
Identifiers: ClinVar variation 2940437 (VCV002940437.5), dbSNP rs2548636420, ClinGen allele CA394158390.

ClinVar aggregate classification (germline): Uncertain significance. Review status: criteria provided, multiple submitters, no conflicts (2 of 4 stars). 2 submissions from 2 submitters: Uncertain significance (2). Last evaluated 2025-06-29.

Conditions:
Idiopathic generalized epilepsy. Also called: EIG; Generalised epilepsy. Identifiers: MedGen C0270850, MONDO:0005579, OMIM 600669.
Hyperaldosteronism, familial, type IV (HALD4). Also called: FH IV; ALDOSTERONISM, PRIMARY, AND HYPERTENSION. Identifiers: Orphanet 642671, MedGen C4310756, MONDO:0014875, OMIM 617027.

Allele frequency attached by ClinVar (database versions not stated): gnomAD exomes 0.00001.
gnomAD v4.1: 10 of 1,554,556 alleles (0.00064%); highest among the groups gnomAD compares: Non-Finnish European, 0.00052%; no homozygotes.

Submissions (2):

Dasa
Classification: Uncertain significance. Last evaluated: 2025-06-29. Review status: criteria provided, single submitter. Criteria: DASA Assertion Criteria. Collection method: clinical testing. Allele origin: germline.
Comment: NM_021098.3(CACNA1H):c.1175C>T (p.Ser392Leu) is a missense variant that results in the substitution of serine with leucine. This variant is rare in population databases. Computational prediction algorithms are consistent with a deleterious effect. The currently available literature and clinical evidence are not sufficient to establish a definitive association between this variant and the reported condition. Therefore, this variant is classified as a variant of uncertain significance.

Labcorp Genetics (formerly Invitae), Labcorp
Classification: Uncertain significance for Idiopathic generalized epilepsy; Hyperaldosteronism, familial, type IV. Last evaluated: 2023-09-04. Review status: criteria provided, single submitter. Criteria: Invitae Variant Classification Sherloc (09022015). Collection method: clinical testing. Allele origin: germline.
Comment: This sequence change replaces serine, which is neutral and polar, with leucine, which is neutral and non-polar, at codon 392 of the CACNA1H protein (p.Ser392Leu). This variant is not present in population databases (gnomAD no frequency). This variant has not been reported in the literature in individuals affected with CACNA1H-related conditions. Advanced modeling of protein sequence and biophysical properties (such as structural, functional, and spatial information, amino acid conservation, physicochemical variation, residue mobility, and thermodynamic stability) performed at Invitae indicates that this missense variant is expected to disrupt CACNA1H protein function. In summary, the available evidence is currently insufficient to determine the role of this variant in disease. Therefore, it has been classified as a Variant of Uncertain Significance.